The following is an entry in ClinVar:

ClinVar aggregate classification (germline): Pathogenic/Likely pathogenic. Review status: criteria provided, multiple submitters, no conflicts (2 of 4 stars). 2 submissions from 2 submitters: Pathogenic (1); Likely pathogenic (1). Last evaluated 2025-06-16.

Conditions:
Spermatogenic failure 65 (SPGF65). Identifiers: MedGen C5562067, MONDO:0030531, OMIM 619712.

Allele frequency attached by ClinVar (database versions not stated): gnomAD 0.00003; TOPMed 0.00003; gnomAD exomes below 0.00001; ExAC 0.00005.
gnomAD v4.1: 10 of 1,551,638 alleles (0.00064%); highest among the groups gnomAD compares: African/African-American, 0.0068%; no homozygotes.

Submissions (2):

Revvity Omics, Revvity
Classification: Likely pathogenic for Spermatogenic failure 65. Last evaluated: 2025-06-16. Review status: criteria provided, single submitter. Criteria: ACMG Guidelines, 2015. Collection method: clinical testing. Allele origin: germline.

Labcorp Genetics (formerly Invitae), Labcorp
Classification: Pathogenic. Last evaluated: 2023-05-04. Review status: criteria provided, single submitter. Criteria: Invitae Variant Classification Sherloc (09022015). Collection method: clinical testing. Allele origin: germline.
Comment: ClinVar contains an entry for this variant (Variation ID: 2047592). This variant has not been reported in the literature in individuals affected with DNHD1-related conditions. This variant is present in population databases (rs760673520, gnomAD 0.01%). This sequence change creates a premature translational stop signal (p.Glu1153*) in the DNHD1 gene. It is expected to result in an absent or disrupted protein product. Loss-of-function variants in DNHD1 are known to be pathogenic (PMID: 34932939). Algorithms developed to predict the effect of sequence changes on RNA splicing suggest that this variant may disrupt the consensus splice site. For these reasons, this variant has been classified as Pathogenic.

Literature cited by the submitters: PubMed 34932939 (cited by Labcorp Genetics (formerly Invitae), Labcorp).

NM_144666.3(DNHD1):c.3457G>T (p.Glu1153Ter)

Gene: DNHD1 (dynein heavy chain domain 1; plus strand). Cytogenetic location: 11p15.4.
Variant type: single nucleotide variant.
Coding change: c.3457G>T on transcript NM_144666.3 (MANE Select); coding-DNA position 3457, G replaced by T.
Protein change: p.Glu1153Ter; replaces glutamic acid 1153 with a stop codon.
Molecular consequence: nonsense.
Genome position (GRCh38, 1-based): chr11:6,539,912, G>T. VCF-style: chr11-6539912-G-T. GRCh37 (hg19) VCF-style: chr11-6561142-G-T.
Other names: c.3457G>T (NM_144666.2); short protein forms E1153*.
Identifiers: ClinVar variation 2047592 (VCV002047592.7), dbSNP rs760673520, ClinGen allele CA5855905.